The following is an entry in ClinVar:

ClinVar aggregate classification (germline): Uncertain significance. Review status: criteria provided, multiple submitters, no conflicts (2 of 4 stars). 4 submissions from 4 submitters: Uncertain significance (4). Last evaluated 2025-06-12.

Conditions:
Autosomal recessive limb-girdle muscular dystrophy type 2Y (MRRSDC). Also called: Muscular dystrophy, limb-girdle, type 2y; Muscular dystrophy, autosomal recessive, with rigid spine and distal joint contractures. Identifiers: Orphanet 424261, MedGen C4511482, MONDO:0014900, OMIM 617072.

Allele frequency attached by ClinVar (database versions not stated): ESP Exome Variant Server 0.00008; TOPMed 0.00001; gnomAD 0.00003 and 0.00004; gnomAD exomes 0.00003; ExAC 0.00006.
gnomAD v4.1: 32 of 1,614,106 alleles (0.002%); highest among the groups gnomAD compares: Middle Eastern, 0.033%; no homozygotes.

Submissions (4):

Revvity Omics, Revvity
Classification: Uncertain significance. Last evaluated: 2025-06-12. Review status: criteria provided, single submitter. Criteria: ACMG Guidelines, 2015. Collection method: clinical testing. Allele origin: germline.

Genome-Nilou Lab
Classification: Uncertain significance for Autosomal recessive limb-girdle muscular dystrophy type 2Y. Last evaluated: 2023-04-11. Review status: criteria provided, single submitter. Criteria: ACMG Guidelines, 2015. Collection method: clinical testing. Allele origin: germline. Affected: no.

Labcorp Genetics (formerly Invitae), Labcorp
Classification: Uncertain significance for Autosomal recessive limb-girdle muscular dystrophy type 2Y. Last evaluated: 2022-07-06. Review status: criteria provided, single submitter. Criteria: Invitae Variant Classification Sherloc (09022015). Collection method: clinical testing. Allele origin: germline.
Comment: This sequence change replaces glutamine, which is neutral and polar, with arginine, which is basic and polar, at codon 453 of the TOR1AIP1 protein (p.Gln453Arg). This variant is present in population databases (rs374418323, gnomAD 0.006%). This variant has not been reported in the literature in individuals affected with TOR1AIP1-related conditions. ClinVar contains an entry for this variant (Variation ID: 967732). Algorithms developed to predict the effect of missense changes on protein structure and function output the following: SIFT: "Tolerated"; PolyPhen-2: "Benign"; Align-GVGD: "Class C0". The arginine amino acid residue is found in multiple mammalian species, which suggests that this missense change does not adversely affect protein function. In summary, the available evidence is currently insufficient to determine the role of this variant in disease. Therefore, it has been classified as a Variant of Uncertain Significance.

GeneDx
Classification: Uncertain significance. Last evaluated: 2019-07-03. Review status: criteria provided, single submitter. Criteria: GeneDx Variant Classification Process June 2021. Collection method: clinical testing. Allele origin: germline. Affected: yes.
Comment: In silico analysis, which includes protein predictors and evolutionary conservation, supports a deleterious effect; Has not been previously published as pathogenic or benign to our knowledge

NM_015602.4(TOR1AIP1):c.1355A>G (p.Gln452Arg)

Gene: TOR1AIP1 (torsin 1A interacting protein 1; plus strand). Cytogenetic location: 1q25.2.
Variant type: single nucleotide variant.
Coding change: c.1355A>G on transcript NM_015602.4 (MANE Select); coding-DNA position 1355, A replaced by G.
Protein change: p.Gln452Arg; replaces glutamine 452 with arginine.
Molecular consequence: missense variant.
Genome position (GRCh38, 1-based): chr1:179,917,842, A>G. VCF-style: chr1-179917842-A-G. GRCh37 (hg19) VCF-style: chr1-179886977-A-G.
Other names: c.1358A>G, p.Gln453Arg (NM_001267578.2); short protein forms Q453R, Q452R.
Identifiers: ClinVar variation 967732 (VCV000967732.11), dbSNP rs374418323, ClinGen allele CA1269133.
Genomic context (GRCh38, chr1:179,917,842, plus strand): 5'-CCTATTCTTCTTTTCGTAGTGTCCGTGCCATCCGGATTGATGGGACAGATAAAGCTACTC[A>G]AGACAGTGATACTGTCAAACTAGAGGTAGACCAAGAACTGAGCAATGGATTTAAGAATGG-3'
Protein context (NP_056417.2, residues 442-462): IRIDGTDKAT[Gln452Arg]DSDTVKLEVD